The following is an entry in ClinVar:

ClinVar aggregate classification (germline): Uncertain significance (1 of 4 stars; one submission).

Conditions:
BAP1-related tumor predisposition syndrome (TPDS1). Also called: Tumor susceptibility linked to germline BAP1 mutations; COMMON Syndrome; TUMOR PREDISPOSITION SYNDROME 1; BAP1 tumor predisposition syndrome. Identifiers: Orphanet 289539, MedGen C3280492, MONDO:0013692, OMIM 614327.

Submission:

Labcorp Genetics (formerly Invitae), Labcorp
Classification: Uncertain significance for BAP1-related tumor predisposition syndrome. Last evaluated: 2024-06-24. Review status: criteria provided, single submitter. Criteria: Invitae Variant Classification Sherloc (09022015). Collection method: clinical testing. Allele origin: germline.
Comment: This sequence change replaces threonine, which is neutral and polar, with serine, which is neutral and polar, at codon 487 of the BAP1 protein (p.Thr487Ser). This variant is not present in population databases (gnomAD no frequency). This variant has not been reported in the literature in individuals affected with BAP1-related conditions. Advanced modeling of protein sequence and biophysical properties (such as structural, functional, and spatial information, amino acid conservation, physicochemical variation, residue mobility, and thermodynamic stability) performed at Invitae indicates that this missense variant is not expected to disrupt BAP1 protein function with a negative predictive value of 80%. In summary, the available evidence is currently insufficient to determine the role of this variant in disease. Therefore, it has been classified as a Variant of Uncertain Significance.

NM_004656.4(BAP1):c.1459A>T (p.Thr487Ser)

Gene: BAP1 (BRCA1 associated deubiquitinase 1; minus strand). Cytogenetic location: 3p21.1.
Variant type: single nucleotide variant.
Coding change: c.1459A>T on transcript NM_004656.4 (MANE Select); coding-DNA position 1459, A replaced by T.
Protein change: p.Thr487Ser; replaces threonine 487 with serine.
Molecular consequence: missense variant.
Genome position (GRCh38, 1-based): chr3:52,403,686, T>A on the plus strand (A>T on the coding strand, the complement: BAP1 is on the minus strand). VCF-style: chr3-52403686-T-A. GRCh37 (hg19) VCF-style: chr3-52437702-T-A.
Other names: c.1405A>T, p.Thr469Ser (NM_001410772.1); short protein forms T487S, T469S.
Identifiers: ClinVar variation 3657689 (VCV003657689.2).